The following is an entry in ClinVar:

ClinVar aggregate classification (germline): Uncertain significance. Review status: criteria provided, multiple submitters, no conflicts (2 of 4 stars). 2 submissions from 2 submitters: Uncertain significance (2). Last evaluated 2025-10-23.

Conditions:
Cardiovascular phenotype. Identifiers: MedGen CN230736.
Long QT syndrome (LQTS). Identifiers: MedGen C0023976, MeSH D008133, MONDO:0002442. Disease mechanism: loss of function. Inheritance: Various modes of inheritance.

Allele frequency attached by ClinVar (database versions not stated): gnomAD exomes below 0.00001 and 0.00001; ExAC 0.00001.
gnomAD v4.1: 2 of 1,613,204 alleles (0.00012%); highest among the groups gnomAD compares: Admixed American, 0.0033%; no homozygotes.

Submissions (2):

Labcorp Genetics (formerly Invitae), Labcorp
Classification: Uncertain significance for Long QT syndrome. Last evaluated: 2025-10-23. Review status: criteria provided, single submitter. Criteria: Invitae Variant Classification Sherloc (09022015). Collection method: clinical testing. Allele origin: germline.
Comment: This sequence change replaces alanine, which is neutral and non-polar, with valine, which is neutral and non-polar, at codon 703 of the ANK2 protein (p.Ala703Val). This variant is present in population databases (rs756016862, gnomAD 0.006%). This variant has not been reported in the literature in individuals affected with ANK2-related conditions. ClinVar contains an entry for this variant (Variation ID: 578200). Invitae Evidence Modeling of protein sequence and biophysical properties (such as structural, functional, and spatial information, amino acid conservation, physicochemical variation, residue mobility, and thermodynamic stability) indicates that this missense variant is not expected to disrupt ANK2 protein function with a negative predictive value of 80%. In summary, the available evidence is currently insufficient to determine the role of this variant in disease. Therefore, it has been classified as a Variant of Uncertain Significance.

Ambry Genetics
Classification: Uncertain significance for Cardiovascular phenotype. Last evaluated: 2023-11-17. Review status: criteria provided, single submitter. Criteria: Ambry Variant Classification Scheme 2023. Collection method: clinical testing. Allele origin: germline.
Comment: The p.A703V variant (also known as c.2108C>T), located in coding exon 19 of the ANK2 gene, results from a C to T substitution at nucleotide position 2108. The alanine at codon 703 is replaced by valine, an amino acid with similar properties. This amino acid position is highly conserved in available vertebrate species. In addition, the in silico prediction for this alteration is inconclusive. Since supporting evidence is limited at this time, the clinical significance of this alteration remains unclear.

NM_001148.6(ANK2):c.2108C>T (p.Ala703Val)

Gene: ANK2 (ankyrin 2; plus strand). Cytogenetic location: 4q26.
Variant type: single nucleotide variant.
Coding change: c.2108C>T on transcript NM_001148.6 (MANE Select); coding-DNA position 2108, C replaced by T.
Protein change: p.Ala703Val; replaces alanine 703 with valine.
Molecular consequence: missense variant.
Genome position (GRCh38, 1-based): chr4:113,287,633, C>T. VCF-style: chr4-113287633-C-T. GRCh37 (hg19) VCF-style: chr4-114208789-C-T.
Other names: c.2108C>T, p.Ala703Val (NM_001354232.2, NM_001354235.2, NM_001354236.2 and 6 more transcripts); c.2153C>T, p.Ala718Val (NM_001354237.2, NM_001354240.2, NM_001354241.2 and 5 more transcripts); c.2045C>T, p.Ala682Val (NM_001354239.2, NM_001354243.2, NM_001354244.2 and 10 more transcripts); c.2009C>T, p.Ala670Val (NM_001354245.2, NM_001354268.2); c.2021C>T, p.Ala674Val (NM_001354249.2, NM_001354264.2, NM_001354266.2 and 10 more transcripts); c.1946C>T, p.Ala649Val (NM_001354253.2, NM_001354257.2, NM_001354270.2 and 1 more transcripts); c.1922C>T, p.Ala641Val (NM_001354260.2, NM_001354271.2, NM_001386151.1); c.2066C>T, p.Ala689Val (NM_001354261.2, NM_001386147.1, NM_001386160.1); and 8 more; short protein forms A703V, A682V, A633V, A641V, A674V, A637V, A649V, A670V.
Identifiers: ClinVar variation 578200 (VCV000578200.9), dbSNP rs756016862, ClinGen allele CA3050455.